The following is an entry in ClinVar:

NM_017986.4(SLC52A1):c.709T>C (p.Ser237Pro)

Gene: SLC52A1 (solute carrier family 52 member 1; minus strand). Cytogenetic location: 17p13.2.
Variant type: single nucleotide variant.
Coding change: c.709T>C on transcript NM_017986.4 (MANE Select); coding-DNA position 709, T replaced by C.
Protein change: p.Ser237Pro; replaces serine 237 with proline.
Molecular consequence: missense variant.
Genome position (GRCh38, 1-based): chr17:5,033,780, A>G on the plus strand (T>C on the coding strand, the complement: SLC52A1 is on the minus strand). VCF-style: chr17-5033780-A-G. GRCh37 (hg19) VCF-style: chr17-4937075-A-G.
Other names: c.709T>C, p.Ser237Pro (NM_001104577.2); short protein forms S237P.
Identifiers: ClinVar variation 1500929 (VCV001500929.8), dbSNP rs150901297, ClinGen allele CA8319725.

ClinVar aggregate classification (germline): Uncertain significance (1 of 4 stars; one submission).

Conditions:
Vitamin B2 deficiency. Identifiers: MedGen C0035528.

Allele frequency attached by ClinVar (database versions not stated): gnomAD exomes 0.00006; ExAC 0.00007; gnomAD 0.00009; TOPMed 0.00013; ESP Exome Variant Server 0.00015; 1000 Genomes Project 30x 0.00016.
gnomAD v4.1: 100 of 1,614,172 alleles (0.0062%); highest among the groups gnomAD compares: Middle Eastern, 0.15%; no homozygotes.

Submission:

Labcorp Genetics (formerly Invitae), Labcorp
Classification: Uncertain significance for Vitamin B2 deficiency. Last evaluated: 2025-03-09. Review status: criteria provided, single submitter. Criteria: Invitae Variant Classification Sherloc (09022015). Collection method: clinical testing. Allele origin: germline.
Comment: This sequence change replaces serine, which is neutral and polar, with proline, which is neutral and non-polar, at codon 237 of the SLC52A1 protein (p.Ser237Pro). This variant is present in population databases (rs150901297, gnomAD 0.03%). This variant has not been reported in the literature in individuals affected with SLC52A1-related conditions. ClinVar contains an entry for this variant (Variation ID: 1500929). Invitae Evidence Modeling of protein sequence and biophysical properties (such as structural, functional, and spatial information, amino acid conservation, physicochemical variation, residue mobility, and thermodynamic stability) indicates that this missense variant is not expected to disrupt SLC52A1 protein function with a negative predictive value of 80%. In summary, the available evidence is currently insufficient to determine the role of this variant in disease. Therefore, it has been classified as a Variant of Uncertain Significance.